The following is an entry in ClinVar:

ClinVar aggregate classification (germline): Uncertain significance (1 of 4 stars; one submission).

Submission:

GeneDx
Classification: Uncertain significance. Last evaluated: 2023-03-25. Review status: criteria provided, single submitter. Criteria: GeneDx Variant Classification Process June 2021. Collection method: clinical testing. Allele origin: germline. Affected: yes.
Comment: Not observed at significant frequency in large population cohorts (gnomAD); In silico analysis supports that this missense variant has a deleterious effect on protein structure/function; Has not been previously published as pathogenic or benign to our knowledge

NM_001321075.3(DLG4):c.253A>T (p.Asn85Tyr)

Gene: DLG4 (discs large MAGUK scaffold protein 4; minus strand). Cytogenetic location: 17p13.1.
Variant type: single nucleotide variant.
Coding change: c.253A>T on transcript NM_001321075.3 (MANE Select); coding-DNA position 253, A replaced by T.
Protein change: p.Asn85Tyr; replaces asparagine 85 with tyrosine.
Molecular consequence: missense variant. On other transcripts: non-coding transcript variant (1).
Genome position (GRCh38, 1-based): chr17:7,203,774, T>A on the plus strand (A>T on the coding strand, the complement: DLG4 is on the minus strand). VCF-style: chr17-7203774-T-A. GRCh37 (hg19) VCF-style: chr17-7107093-T-A.
Other names: c.244A>T, p.Asn82Tyr (NM_001128827.4); c.373A>T, p.Asn125Tyr (NM_001321074.1); c.73A>T, p.Asn25Tyr (NM_001321076.3, NM_001321077.3); c.382A>T, p.Asn128Tyr (NM_001365.5); c.172A>T, p.Asn58Tyr (NM_001369566.3); short protein forms N125Y, N128Y, N25Y, N58Y, N82Y, N85Y.
Identifiers: ClinVar variation 2446173 (VCV002446173.1), dbSNP rs2508029658, ClinGen allele CA397720093.